The following is an entry in ClinVar:

ClinVar aggregate classification (germline): Uncertain significance. Review status: criteria provided, multiple submitters, no conflicts (2 of 4 stars). 2 submissions from 2 submitters: Uncertain significance (2). Last evaluated 2025-04-20.

Conditions:
Hereditary cancer-predisposing syndrome. Also called: Hereditary Cancer Syndrome; Hereditary neoplastic syndrome; Tumor predisposition; Neoplastic Syndromes, Hereditary. Identifiers: Orphanet 140162, MedGen C0027672, MeSH D009386, MONDO:0015356.

Submissions (2):

Labcorp Genetics (formerly Invitae), Labcorp
Classification: Uncertain significance. Last evaluated: 2025-04-20. Review status: criteria provided, single submitter. Criteria: Invitae Variant Classification Sherloc (09022015). Collection method: clinical testing. Allele origin: germline.
Comment: This sequence change replaces glutamine, which is neutral and polar, with leucine, which is neutral and non-polar, at codon 198 of the NTHL1 protein (p.Gln198Leu). This variant is not present in population databases (gnomAD no frequency). This variant has not been reported in the literature in individuals affected with NTHL1-related conditions. ClinVar contains an entry for this variant (Variation ID: 843695). An algorithm developed to predict the effect of missense changes on protein structure and function (PolyPhen-2) suggests that this variant is likely to be tolerated. In summary, the available evidence is currently insufficient to determine the role of this variant in disease. Therefore, it has been classified as a Variant of Uncertain Significance.

Ambry Genetics
Classification: Uncertain significance for Hereditary cancer-predisposing syndrome. Last evaluated: 2025-01-05. Review status: criteria provided, single submitter. Criteria: Ambry Variant Classification Scheme 2023. Collection method: clinical testing. Allele origin: germline.
Comment: The p.Q198L variant (also known as c.593A>T), located in coding exon 4 of the NTHL1 gene, results from an A to T substitution at nucleotide position 593. The glutamine at codon 198 is replaced by leucine, an amino acid with dissimilar properties. This amino acid position is conserved. In addition, the in silico prediction for this alteration is inconclusive. Since supporting evidence is limited at this time, the clinical significance of this alteration remains unclear.

NM_002528.7(NTHL1):c.569A>T (p.Gln190Leu)

Gene: NTHL1 (nth like DNA glycosylase 1; minus strand). Cytogenetic location: 16p13.3.
Variant type: single nucleotide variant.
Coding change: c.569A>T on transcript NM_002528.7 (MANE Select); coding-DNA position 569, A replaced by T.
Protein change: p.Gln190Leu; replaces glutamine 190 with leucine.
Molecular consequence: missense variant.
Genome position (GRCh38, 1-based): chr16:2,043,683, T>A on the plus strand (A>T on the coding strand, the complement: NTHL1 is on the minus strand). VCF-style: chr16-2043683-T-A. GRCh37 (hg19) VCF-style: chr16-2093684-T-A.
Other names: c.398A>T, p.Gln133Leu (NM_001318193.2); c.239A>T, p.Gln80Leu (NM_001318194.2); short protein forms Q190L, Q80L, Q133L.
Identifiers: ClinVar variation 843695 (VCV000843695.13), dbSNP rs2084300404, ClinGen allele CA394292061.